The following is an entry in ClinVar:

ClinVar aggregate classification (germline): Benign/Likely benign. Review status: criteria provided, multiple submitters, no conflicts (2 of 4 stars). 4 submissions from 4 submitters: Benign (1); Likely benign (3). Last evaluated 2025-03-25.

Conditions:
Peutz-Jeghers syndrome (PJS). Also called: Peutz-Jeghers polyposis; Periorificial lentiginosis syndrome; POLYPOSIS, HAMARTOMATOUS INTESTINAL; POLYPS-AND-SPOTS SYNDROME. Identifiers: Orphanet 2869, MedGen C0031269, MeSH D010580, MONDO:0008280, OMIM 175200.
Hereditary cancer-predisposing syndrome. Also called: Hereditary Cancer Syndrome; Neoplastic Syndromes, Hereditary; Tumor predisposition; Hereditary neoplastic syndrome. Identifiers: Orphanet 140162, MedGen C0027672, MeSH D009386, MONDO:0015356.

Submissions (4):

Myriad Genetics, Inc.
Classification: Benign for Peutz-Jeghers syndrome. Last evaluated: 2025-03-25. Review status: criteria provided, single submitter. Criteria: Myriad Autosomal Dominant, Autosomal Recessive and X-Linked Classification Criteria (2023). Collection method: clinical testing. Allele origin: unknown.
Comment: This variant is considered benign. This variant is a silent/synonymous amino acid change and it is not expected to impact splicing.

Labcorp Genetics (formerly Invitae), Labcorp
Classification: Likely benign for Peutz-Jeghers syndrome. Last evaluated: 2024-10-31. Review status: criteria provided, single submitter. Criteria: Invitae Variant Classification Sherloc (09022015). Collection method: clinical testing. Allele origin: germline.

Ambry Genetics
Classification: Likely benign for Hereditary cancer-predisposing syndrome. Last evaluated: 2022-02-21. Review status: criteria provided, single submitter. Criteria: Ambry Variant Classification Scheme 2023. Collection method: clinical testing. Allele origin: germline.

Color Diagnostics, LLC DBA Color Health
Classification: Likely benign for Hereditary cancer-predisposing syndrome. Last evaluated: 2017-10-28. Review status: criteria provided, single submitter. Criteria: ACMG Guidelines, 2015. Collection method: clinical testing. Allele origin: germline.

NM_000455.5(STK11):c.301C>T (p.Leu101=)

Gene: STK11 (serine/threonine kinase 11; plus strand). Cytogenetic location: 19p13.3.
Variant type: single nucleotide variant.
Coding change: c.301C>T on transcript NM_000455.5 (MANE Select); coding-DNA position 301, C replaced by T.
Protein change: p.Leu101=; no amino-acid change (leucine 101 retained).
Molecular consequence: synonymous variant.
Genome position (GRCh38, 1-based): chr19:1,218,427, C>T. VCF-style: chr19-1218427-C-T. GRCh37 (hg19) VCF-style: chr19-1218426-C-T.
Identifiers: ClinVar variation 630726 (VCV000630726.14), dbSNP rs587780716, ClinGen allele CA089314.